The following is an entry in ClinVar:

NM_152641.4(ARID2):c.167_171del (p.Thr56fs)

Genes: ARID2 (AT-rich interaction domain 2; plus strand), LOC130007728 (ATAC-STARR-seq lymphoblastoid silent region 4376; plus strand). Cytogenetic location: 12q12.
Variant type: Deletion.
Coding change: c.167_171del on transcript NM_152641.4 (MANE Select); coding-DNA positions 167 to 171, 5 bases deleted (CTTTA; older notation c.167_171delCTTTA).
Protein change: p.Thr56fs; shifts the reading frame from threonine 56.
Molecular consequence: frameshift variant.
Genome position (GRCh38, 1-based): chr12:45,730,118-45,730,122, CTTTA deleted; deleting any 5 consecutive bases within chr12:45,730,116-45,730,122 gives the same sequence; the c. name uses the placement nearest the transcript's 3' end. VCF-style (leftmost placement, unchanged base first): chr12-45730115-CTACTT-C. GRCh37 (hg19) VCF-style: chr12-46123898-CTACTT-C.
Other names: c.167_171del, p.Thr56fs (NM_001347839.2); short protein forms T56fs.
Identifiers: ClinVar variation 2603686 (VCV002603686.2), dbSNP rs2547601624, ClinGen allele CA2582342497.

ClinVar aggregate classification (germline): Pathogenic (1 of 4 stars; one submission).

Conditions:
Inborn genetic diseases. Identifiers: MedGen C0950123, MeSH D030342.

Submission:

Ambry Genetics
Classification: Pathogenic for Inborn genetic diseases. Last evaluated: 2023-06-26. Review status: criteria provided, single submitter. Criteria: Ambry Variant Classification Scheme 2023. Collection method: clinical testing. Allele origin: germline.
Comment: The c.167_171delCTTTA (p.T56Rfs*8) alteration, located in exon 2 (coding exon 2) of the ARID2 gene, consists of a deletion of 5 nucleotides from position 167 to 171, causing a translational frameshift with a predicted alternate stop codon after 8 amino acids. This alteration is expected to result in loss of function by premature protein truncation or nonsense-mediated mRNA decay. This variant was not reported in population-based cohorts in the Genome Aggregation Database (gnomAD). Based on the available evidence, this alteration is classified as pathogenic.